The following continues an entry in ClinVar:

NM_024577.4(SH3TC2):c.505T>C (p.Tyr169His)

Gene: SH3TC2. ClinVar aggregate classification (germline): Conflicting classifications of pathogenicity. Likely pathogenic (1); Uncertain significance (6); Likely benign (10).

Submissions 12 to 24 of 24:

Practice for Gait Abnormalities, David Pomarino, Competency Network Toe Walking C/o Practice Pomarino
Classification: Likely pathogenic for Tip-toe gait. Last evaluated: 2020-01-23. Review status: criteria provided, single submitter. Criteria: ACMG Guidelines, 2015. Collection method: clinical testing. Allele origin: unknown. Affected: yes. Observed: 4 variant alleles. Clinical features observed: Pes cavus (HP:0001761), Delayed speech and language development (HP:0000750), Clinodactyly (HP:0030084), Hyperlordosis (HP:0003307), Limited range of motion of the upper ankle.
Comment: We conducted a clinical examination of patients about toe walking. The SH3TS2:c.505T>C was detected in 4 patients. 3 patients have toe walkers in the family (2 patients have toe walking fathers, 1 has a toe walking mother). We also examined a control group of children without toe walking (100 children). In this group this variant could not be identified. Hereditary motor sensory neuropathy (HMSN), also known as Charcot-Marie-Tooth Disease (CMT), is the most commonly inherited peripheral polyneuropathy. It constitutes a group of inherited, progressive, motor and sensory peripheral nerve disorders with properties of demyelination, axonal degeneration, or both. It is classified by clinical characteristics, modes of inheritance, electrophysiologic features, metabolic defects, and specific gene markers. Our patients all walk on tiptoe, so they show similar symptoms. When we genetically test them with our toe walking panel, we find that around 90 per cent of them have a genetic variant that explains their toe walking. These can be assigned, for example, to the area of myopathies (such as variants of the COL6A3 gene), the area of hereditary neuropathies (such as variants of the KMT2C gene) or the area of metabolic diseases (such as variants of the PYGM gene). In a smaller group of patients with almost identical symptoms, no abnormality is found in the genes of our panel, but spastic paraplegia can be detected. In another small group of our toe walkers, no abnormalities can be detected in the genes analysed in our toe walking panel, nor do they suffer from spastic paraplegia, as is also the case with healthy children. In contrast to these, however, they show a tiptoe gait. These patients suffer from infantile cerebral palsy, in which toe walking can also be observed.

Institute of Human Genetics, University of Leipzig Medical Center
Classification: Uncertain significance for Charcot-Marie-Tooth disease type 4C. Last evaluated: 2019-01-01. Review status: criteria provided, single submitter. Criteria: ACMG Guidelines, 2015. Collection method: clinical testing. Allele origin: unknown. Affected: yes.

Illumina Laboratory Services, Illumina
Classification: Uncertain significance for Susceptibility to mononeuropathy of the median nerve, mild. Last evaluated: 2017-04-27. Review status: criteria provided, single submitter. Criteria: ICSL Variant Classification Criteria 13 December 2019. Collection method: clinical testing. Allele origin: germline.
Comment: This variant was observed as part of a predisposition screen in an ostensibly healthy population. A literature search was performed for the gene, cDNA change, and amino acid change (where applicable). Publications were found based on this search. However, the evidence from the literature, in combination with allele frequency data from public databases where available, was not sufficient to rule this variant in or out of causing disease. Therefore, this variant is classified as a variant of unknown significance.

Eurofins Ntd Llc (ga)
Classification: Uncertain significance. Last evaluated: 2015-12-02. Review status: criteria provided, single submitter. Criteria: EGL Classification Definitions 2015. Collection method: clinical testing. Allele origin: germline. Observed: 2 variant alleles, 2 heterozygotes.

Centre for Mendelian Genomics, University Medical Centre Ljubljana
Classification: Uncertain significance for Arthrogryposis multiplex congenita; Congenital contracture; Decreased muscle mass; Hemihypertrophy; Scoliosis; Short lower limbs; Upper limb undergrowth. Last evaluated: 2014-03-24. Review status: criteria provided, single submitter. Criteria: ACMG Guidelines, 2015. Collection method: clinical testing. Allele origin: unknown. Affected: yes.

Molecular Genetics Laboratory, London Health Sciences Centre
Classification: Likely benign for Charcot-Marie-Tooth disease. Review status: criteria provided, single submitter. Criteria: ACMG Guidelines, 2015. Collection method: clinical testing. Allele origin: germline. Affected: yes.

OMIM
Classification: Pathogenic for CHARCOT-MARIE-TOOTH DISEASE, DEMYELINATING, TYPE 4C. Last evaluated: 2010-04-01. Review status: no assertion criteria provided. Collection method: literature only. Allele origin: germline. Not counted in ClinVar's aggregate classification.

Clinical Genetics DNA and cytogenetics Diagnostics Lab, Erasmus MC, Erasmus Medical Center
Classification: Uncertain significance. Review status: no assertion criteria provided. Collection method: clinical testing. Allele origin: germline. Affected: yes. Study: VKGL Data-share Consensus. Not counted in ClinVar's aggregate classification.

Clinical Genetics, Academic Medical Center
Classification: Uncertain significance. Review status: no assertion criteria provided. Collection method: clinical testing. Allele origin: germline. Affected: yes. Study: VKGL Data-share Consensus. Not counted in ClinVar's aggregate classification.

GeneReviews
No classification provided. Condition: Charcot-Marie-Tooth disease type 4C. Review status: no classification provided. Collection method: literature only. Allele origin: unknown. Not counted in ClinVar's aggregate classification.

Genome Diagnostics Laboratory, University Medical Center Utrecht
Classification: Uncertain significance. Review status: no assertion criteria provided. Collection method: clinical testing. Allele origin: germline. Affected: yes. Study: VKGL Data-share Consensus. Not counted in ClinVar's aggregate classification.

Joint Genome Diagnostic Labs from Nijmegen and Maastricht, Radboudumc and MUMC+
Classification: Uncertain significance. Review status: no assertion criteria provided. Collection method: clinical testing. Allele origin: germline. Affected: yes. Study: VKGL Data-share Consensus. Not counted in ClinVar's aggregate classification.

OMIM
Classification: Pathogenic for MONONEUROPATHY OF THE MEDIAN NERVE, MILD. Last evaluated: 2010-04-01. Review status: flagged submission. Collection method: literature only. Allele origin: germline. Not counted in ClinVar's aggregate classification.
ClinVar note: Reason: Outlier claim with insufficient supporting evidence

Literature cited by the submitters: PubMed 23806086 (cited by Women's Health and Genetics/Laboratory Corporation of America, LabCorp and Athena Diagnostics); PubMed 20220177 (cited by 5 submitters); PubMed 21291453 (cited by 3 submitters); PubMed 26392352 (cited by 3 submitters); PubMed 26794302 (cited by 3 submitters); PubMed 28518168 (cited by Ambry Genetics); PubMed 32461654 (cited by Ambry Genetics); PubMed 22950825 (cited by Athena Diagnostics); DOI 10.3238/oup.2019.0380-0382 (cited by Practice for Gait Abnormalities, David Pomarino, Competency Network Toe Walking C/o Practice Pomarino); PubMed 37091313 (cited by Practice for Gait Abnormalities, David Pomarino, Competency Network Toe Walking C/o Practice Pomarino); PubMed 20301641 (cited by GeneReviews); NCBI Bookshelf NBK1468 (cited by GeneReviews).